The following is an entry in ClinVar:

ClinVar aggregate classification (germline): Pathogenic (1 of 4 stars; one submission).

Conditions:
Coffin-Siris syndrome 7. Identifiers: MedGen C4747954, MONDO:0054831, OMIM 618027.

Submission:

3billion
Classification: Pathogenic for Coffin-Siris syndrome 7. Last evaluated: 2025-11-10. Review status: criteria provided, single submitter. Criteria: ACMG Guidelines, 2015. Collection method: clinical testing. Allele origin: germline. Affected: yes.
Comment: The variant is not observed in the gnomAD v4.1.0 dataset. Predicted Consequence/Location: Canonical splice site: predicted to alter splicing and result in a loss or disruption of normal protein function. Multiple pathogenic loss-of-function variants are reported downstream of the variant. The variant has been previously reported as de novo in a similarly affected individual (PMID: 29429572). The variant has been reported to be associated with DPF2-related disorder (PMID: 29429572). Therefore, this variant is classified as Pathogenic according to the recommendation of ACMG/AMP guideline.

Literature cited by the submitters: PubMed 29429572.

NM_006268.5(DPF2):c.904+1G>T

Gene: DPF2 (double PHD fingers 2; plus strand). Cytogenetic location: 11q13.1.
Variant type: single nucleotide variant.
Coding change: c.904+1G>T on transcript NM_006268.5 (MANE Select); the canonical splice donor site of the intron after coding-DNA position 904, G replaced by T.
Molecular consequence: splice donor variant.
Genome position (GRCh38, 1-based): chr11:65,346,059, G>T. VCF-style: chr11-65346059-G-T. GRCh37 (hg19) VCF-style: chr11-65113530-G-T.
Other names: c.946+1G>T (NM_001330308.2).
Identifiers: ClinVar variation 4855788 (VCV004855788.1).
Genomic context (GRCh38, chr11:65,346,059, plus strand): 5'-TTAACAAGAAGACGGGACAACCCGAGGAGCTGGTGTCCTGTTCTGACTGTGGCCGCTCAG[G>T]TACTGCTTCCCGTGAAGGCTGCTGCTTTGCCCAGTCCCCAAGGGGCTCTTGGCTTGCTGG-3'